The following is an entry in ClinVar:

ClinVar aggregate classification (germline): Likely benign. Review status: criteria provided, multiple submitters, no conflicts (2 of 4 stars). 2 submissions from 2 submitters: Likely benign (2). Last evaluated 2025-03-01.

Allele frequency attached by ClinVar (database versions not stated): ExAC 0.00002; gnomAD 0.00003; TOPMed 0.00003; gnomAD exomes 0.00005; 1000 Genomes Project 0.00020; 1000 Genomes Project 30x 0.00031.
gnomAD v4.1: 83 of 1,613,560 alleles (0.0051%); highest among the groups gnomAD compares: Middle Eastern, 0.17%; no homozygotes.

Submissions (2):

CeGaT Center for Human Genetics Tuebingen
Classification: Likely benign. Last evaluated: 2025-03-01. Review status: criteria provided, single submitter. Criteria: CeGaT Center For Human Genetics Tuebingen Variant Classification Criteria Version 2. Collection method: clinical testing. Allele origin: germline. Affected: yes. Observed: 2 variant alleles.
Comment: DHX30: BP4

Blueprint Genetics
Classification: Likely benign. Last evaluated: 2024-09-03. Review status: criteria provided, single submitter. Criteria: ACMG Guidelines, 2015. Collection method: clinical testing. Allele origin: germline.

NM_138615.3(DHX30):c.2859G>A (p.Gln953=)

Gene: DHX30 (DExH-box helicase 30; plus strand). Cytogenetic location: 3p21.31.
Variant type: single nucleotide variant.
Coding change: c.2859G>A on transcript NM_138615.3 (MANE Select); coding-DNA position 2859, G replaced by A.
Protein change: p.Gln953=; no amino-acid change (glutamine 953 retained).
Molecular consequence: synonymous variant.
Genome position (GRCh38, 1-based): chr3:47,849,009, G>A. VCF-style: chr3-47849009-G-A. GRCh37 (hg19) VCF-style: chr3-47890499-G-A.
Other names: c.2775G>A, p.Gln925= (NM_001330990.2); c.2742G>A, p.Gln914= (NM_014966.4).
Identifiers: ClinVar variation 3025014 (VCV003025014.23), dbSNP rs199520705, ClinGen allele CA2370239.
Genomic context (GRCh38, chr3:47,849,009, plus strand): 5'-CAGTGACCACCTGGCCTTTGTGCGGGCTGTCGCCGGCTGGGAGGAGGTGCTGCGTTGGCA[G>A]GACCGCAGCTCCCGGGAGAATTACCTGGAGGAAAACCTGCTGTACGCACCCAGCCTGCGC-3'
Protein context (NP_619520.1, residues 943-963): VAGWEEVLRW[Gln953=]DRSSRENYLE